The following is an entry in ClinVar:

NM_000069.3(CACNA1S):c.1629G>A (p.Thr543=)

Gene: CACNA1S (calcium voltage-gated channel subunit alpha1 S; minus strand). Cytogenetic location: 1q32.1.
Variant type: single nucleotide variant.
Coding change: c.1629G>A on transcript NM_000069.3 (MANE Select); coding-DNA position 1629, G replaced by A.
Protein change: p.Thr543=; no amino-acid change (threonine 543 retained).
Molecular consequence: synonymous variant.
Genome position (GRCh38, 1-based): chr1:201,077,118, C>T on the plus strand (G>A on the coding strand, the complement: CACNA1S is on the minus strand). VCF-style: chr1-201077118-C-T. GRCh37 (hg19) VCF-style: chr1-201046246-C-T.
Identifiers: ClinVar variation 707329 (VCV000707329.13), dbSNP rs143999390, ClinGen allele CA078487.
Genomic context (GRCh38, chr1:201,077,118, plus strand): 5'-CAGCAGGGAGGCGATGGAGCGGATGGAGTTGAGCAGGGATGCCACCAGGTTGCTCAGCGA[C>T]GTCCAATATCTGAAGGAAGAGGAGGCACAAGGTGGGAGGAGACAGACCCTCTCACTGGGG-3'
Protein context (NP_000060.2, residues 533-553): LRIFKITKYW[Thr543=]SLSNLVASLL

ClinVar aggregate classification (germline): Likely benign. Review status: criteria provided, multiple submitters, no conflicts (2 of 4 stars). 4 submissions from 4 submitters: Likely benign (4). Last evaluated 2025-10-15.

Conditions:
Malignant hyperthermia, susceptibility to, 5 (MHS5). Also called: CACNA1S-Related Malignant Hyperthermia Susceptibility. Identifiers: Orphanet 423, MedGen C1866077, MONDO:0011163, OMIM 601887.
Hypokalemic periodic paralysis, type 1. Also called: Hypokalemic Periodic Paralysis Type 1 (AD); HypoPP. Identifiers: Orphanet 681, MedGen C3714580, MONDO:0042979, OMIM 170400.
CACNA1S-related disorder. Also called: CACNA1S-related condition.

Allele frequency attached by ClinVar (database versions not stated): TOPMed 0.00005.
gnomAD v4.1: 46 of 1,613,854 alleles (0.0029%); highest among the groups gnomAD compares: African/African-American, 0.0067%; no homozygotes.

Submissions (4):

PreventionGenetics, part of Exact Sciences
Classification: Likely benign for CACNA1S-related condition. Last evaluated: 2025-10-15. Review status: criteria provided, single submitter. Criteria: ACMG Guidelines, 2015. Collection method: clinical testing. Allele origin: germline.
Comment: This variant is classified as likely benign based on ACMG/AMP sequence variant interpretation guidelines (Richards et al. 2015 PMID: 25741868, with internal and published modifications).

Labcorp Genetics (formerly Invitae), Labcorp
Classification: Likely benign for Hypokalemic periodic paralysis, type 1; Malignant hyperthermia, susceptibility to, 5. Last evaluated: 2025-04-11. Review status: criteria provided, single submitter. Criteria: Invitae Variant Classification Sherloc (09022015). Collection method: clinical testing. Allele origin: germline.

All of Us Research Program, National Institutes of Health
Classification: Likely benign for Malignant hyperthermia, susceptibility to, 5. Last evaluated: 2023-11-30. Review status: criteria provided, single submitter. Criteria: ACMG Guidelines, 2015. Collection method: clinical testing. Allele origin: germline. Inheritance: Autosomal dominant inheritance. Observed: 6 variant alleles, 6 heterozygotes.
Comment: This study involves interpretation of variants in research participants for the purpose of population health screening. Participant phenotype was not available at the time of variant classification. Additional details can be found in publication PMID: 35346344, PMCID: PMC8962531

Blueprint Genetics
Classification: Likely benign. Last evaluated: 2023-02-21. Review status: criteria provided, single submitter. Criteria: ACMG Guidelines, 2015. Collection method: clinical testing. Allele origin: germline.